The following is an entry in ClinVar:

NM_024741.3(ZNF408):c.1429C>A (p.Leu477Met)

Gene: ZNF408 (zinc finger protein 408; plus strand). Cytogenetic location: 11p11.2.
Variant type: single nucleotide variant.
Coding change: c.1429C>A on transcript NM_024741.3 (MANE Select); coding-DNA position 1429, C replaced by A.
Protein change: p.Leu477Met; replaces leucine 477 with methionine.
Molecular consequence: missense variant.
Genome position (GRCh38, 1-based): chr11:46,705,129, C>A. VCF-style: chr11-46705129-C-A. GRCh37 (hg19) VCF-style: chr11-46726679-C-A.
Other names: c.1405C>A, p.Leu469Met (NM_001184751.2); short protein forms L469M, L477M.
Identifiers: ClinVar variation 1389543 (VCV001389543.8), dbSNP rs2134510568, ClinGen allele CA380256051.

ClinVar aggregate classification (germline): Uncertain significance (1 of 4 stars; one submission).

Submission:

Labcorp Genetics (formerly Invitae), Labcorp
Classification: Uncertain significance. Last evaluated: 2020-11-14. Review status: criteria provided, single submitter. Criteria: Invitae Variant Classification Sherloc (09022015). Collection method: clinical testing. Allele origin: germline.
Comment: In summary, the available evidence is currently insufficient to determine the role of this variant in disease. Therefore, it has been classified as a Variant of Uncertain Significance. Algorithms developed to predict the effect of missense changes on protein structure and function are either unavailable or do not agree on the potential impact of this missense change (SIFT: "Deleterious"; PolyPhen-2: "Probably Damaging"; Align-GVGD: "Class C0"). This variant has not been reported in the literature in individuals with ZNF408-related conditions. This variant is not present in population databases (ExAC no frequency). This sequence change replaces leucine with methionine at codon 477 of the ZNF408 protein (p.Leu477Met). The leucine residue is highly conserved and there is a small physicochemical difference between leucine and methionine.